The following is an entry in ClinVar:

NM_000342.4(SLC4A1):c.2286T>A (p.Ser762Arg)

Gene: SLC4A1 (solute carrier family 4 member 1 (Diego blood group); minus strand). Cytogenetic location: 17q21.31.
Variant type: single nucleotide variant.
Coding change: c.2286T>A on transcript NM_000342.4 (MANE Select); coding-DNA position 2286, T replaced by A.
Protein change: p.Ser762Arg; replaces serine 762 with arginine.
Molecular consequence: missense variant.
Genome position (GRCh38, 1-based): chr17:44,253,143, A>T on the plus strand (T>A on the coding strand, the complement: SLC4A1 is on the minus strand). VCF-style: chr17-44253143-A-T. GRCh37 (hg19) VCF-style: chr17-42330511-A-T.
Other names: short protein forms S762R.
Identifiers: ClinVar variation 3319917 (VCV003319917.2).

ClinVar aggregate classification (germline): Conflicting classifications of pathogenicity. Review status: criteria provided, conflicting classifications (1 of 4 stars). 2 submissions from 2 submitters: Likely pathogenic (1); Uncertain significance (1). Last evaluated 2024-11-28.

Conditions:
Inborn genetic diseases. Identifiers: MedGen C0950123, MeSH D030342.

Submissions (2):

Revvity Omics, Revvity
Classification: Likely pathogenic. Last evaluated: 2024-11-28. Review status: criteria provided, single submitter. Criteria: ACMG Guidelines, 2015. Collection method: clinical testing. Allele origin: germline.

Ambry Genetics
Classification: Uncertain significance for Inborn genetic diseases. Last evaluated: 2024-04-03. Review status: criteria provided, single submitter. Criteria: Ambry Variant Classification Scheme 2023. Collection method: clinical testing. Allele origin: germline.
Comment: The c.2286T>A (p.S762R) alteration is located in exon 17 (coding exon 16) of the SLC4A1 gene. This alteration results from a T to A substitution at nucleotide position 2286, causing the serine (S) at amino acid position 762 to be replaced by an arginine (R). This variant was not reported in population-based cohorts in the Genome Aggregation Database (gnomAD). This variant was reported in an individual with features consistent with SLC4A1-related spherocytosis (Guizouarn, 2011). This amino acid position is well conserved in available vertebrate species. In an assay testing SLC4A1 function, this variant showed a functionally abnormal result (Guizouarn, 2011). This alteration is predicted to be deleterious by in silico analysis. Based on insufficient or conflicting evidence, the clinical significance of this alteration remains unclear.

Literature cited by the submitters: PubMed 21255002 (cited by Ambry Genetics).